The following is an entry in ClinVar:

ClinVar aggregate classification (germline): Uncertain significance. Review status: criteria provided, multiple submitters, no conflicts (2 of 4 stars). 2 submissions from 2 submitters: Uncertain significance (2). Last evaluated 2024-05-28.

Conditions:
Gorlin syndrome. Also called: Basal cell nevus syndrome; Nevoid Basal Cell Carcinoma Syndrome. Identifiers: Orphanet 377, MedGen C0004779, MONDO:0007187.
Hereditary cancer-predisposing syndrome. Also called: Neoplastic Syndromes, Hereditary; Tumor predisposition; Hereditary neoplastic syndrome; Hereditary Cancer Syndrome. Identifiers: Orphanet 140162, MedGen C0027672, MeSH D009386, MONDO:0015356.

gnomAD v4.1: 8 of 1,613,910 alleles (0.0005%); highest among the groups gnomAD compares: East Asian, 0.0089%; no homozygotes.

Submissions (2):

Ambry Genetics
Classification: Uncertain significance for Hereditary cancer-predisposing syndrome. Last evaluated: 2024-05-28. Review status: criteria provided, single submitter. Criteria: Ambry Variant Classification Scheme 2023. Collection method: clinical testing. Allele origin: germline.
Comment: The p.R982W variant (also known as c.2944C>T), located in coding exon 18 of the PTCH1 gene, results from a C to T substitution at nucleotide position 2944. The arginine at codon 982 is replaced by tryptophan, an amino acid with dissimilar properties. This amino acid position is highly conserved in available vertebrate species. In addition, this alteration is predicted to be deleterious by in silico analysis. Based on the available evidence, the clinical significance of this variant remains unclear.

Labcorp Genetics (formerly Invitae), Labcorp
Classification: Uncertain significance for Gorlin syndrome. Last evaluated: 2023-06-04. Review status: criteria provided, single submitter. Criteria: Invitae Variant Classification Sherloc (09022015). Collection method: clinical testing. Allele origin: germline.
Comment: Advanced modeling of protein sequence and biophysical properties (such as structural, functional, and spatial information, amino acid conservation, physicochemical variation, residue mobility, and thermodynamic stability) performed at Invitae indicates that this missense variant is not expected to disrupt PTCH1 protein function. In summary, the available evidence is currently insufficient to determine the role of this variant in disease. Therefore, it has been classified as a Variant of Uncertain Significance. This sequence change replaces arginine, which is basic and polar, with tryptophan, which is neutral and slightly polar, at codon 982 of the PTCH1 protein (p.Arg982Trp). This variant is not present in population databases (gnomAD no frequency). This variant has not been reported in the literature in individuals affected with PTCH1-related conditions. ClinVar contains an entry for this variant (Variation ID: 1797954).

NM_000264.5(PTCH1):c.2944C>T (p.Arg982Trp)

Gene: PTCH1 (patched 1; minus strand). Cytogenetic location: 9q22.32.
Variant type: single nucleotide variant.
Coding change: c.2944C>T on transcript NM_000264.5 (MANE Select); coding-DNA position 2944, C replaced by T.
Protein change: p.Arg982Trp; replaces arginine 982 with tryptophan.
Molecular consequence: missense variant. On other transcripts: non-coding transcript variant (1).
Genome position (GRCh38, 1-based): chr9:95,458,237, G>A on the plus strand (C>T on the coding strand, the complement: PTCH1 is on the minus strand). VCF-style: chr9-95458237-G-A. GRCh37 (hg19) VCF-style: chr9-98220519-G-A.
Other names: c.2746C>T, p.Arg916Trp (NM_001083602.3); c.2941C>T, p.Arg981Trp (NM_001083603.3); c.2491C>T, p.Arg831Trp (NM_001083604.3, NM_001083605.3, NM_001083606.3 and 1 more transcripts); c.2788C>T, p.Arg930Trp (NM_001354918.2); short protein forms R930W, R831W, R916W, R981W, R982W.
Identifiers: ClinVar variation 1797954 (VCV001797954.6), dbSNP rs867973996, ClinGen allele CA196575017.